The following is an entry in ClinVar:

ClinVar aggregate classification (germline): Uncertain significance (1 of 4 stars; one submission).

Submission:

Labcorp Genetics (formerly Invitae), Labcorp
Classification: Uncertain significance. Last evaluated: 2022-05-27. Review status: criteria provided, single submitter. Criteria: Invitae Variant Classification Sherloc (09022015). Collection method: clinical testing. Allele origin: germline.
Comment: This sequence change replaces methionine, which is neutral and non-polar, with isoleucine, which is neutral and non-polar, at codon 113 of the ORC6 protein (p.Met113Ile). This variant is not present in population databases (gnomAD no frequency). This variant has not been reported in the literature in individuals affected with ORC6-related conditions. Algorithms developed to predict the effect of missense changes on protein structure and function output the following: SIFT: "Tolerated"; PolyPhen-2: "Benign"; Align-GVGD: "Class C0". The isoleucine amino acid residue is found in multiple mammalian species, which suggests that this missense change does not adversely affect protein function. In summary, the available evidence is currently insufficient to determine the role of this variant in disease. Therefore, it has been classified as a Variant of Uncertain Significance.

NM_014321.4(ORC6):c.339G>A (p.Met113Ile)

Gene: ORC6 (origin recognition complex subunit 6; plus strand). Cytogenetic location: 16q11.2.
Variant type: single nucleotide variant.
Coding change: c.339G>A on transcript NM_014321.4 (MANE Select); coding-DNA position 339, G replaced by A.
Protein change: p.Met113Ile; replaces methionine 113 with isoleucine.
Molecular consequence: missense variant. On other transcripts: non-coding transcript variant (1).
Genome position (GRCh38, 1-based): chr16:46,692,525, G>A. VCF-style: chr16-46692525-G-A. GRCh37 (hg19) VCF-style: chr16-46726437-G-A.
Other names: short protein forms M113I.
Identifiers: ClinVar variation 2038118 (VCV002038118.1), dbSNP rs770990429, ClinGen allele CA395818595.
Genomic context (GRCh38, chr16:46,692,525, plus strand): 5'-TTCAAATATTGGAATAAGAGACCTAGCTGTACAGTTTAGCTGTATAGAAGCAGTGAACAT[G>A]GCTTCAAAGATACTAAAAAGGTATGGGGCATAGAGAACCTTAATTGAAAATGTATACCAA-3'
Protein context (NP_055136.1, residues 103-123): VQFSCIEAVN[Met113Ile]ASKILKSYES